The following is an entry in ClinVar:

ClinVar aggregate classification (germline): Uncertain significance (0 of 4 stars; one submission).

Allele frequency attached by ClinVar (database versions not stated): gnomAD exomes below 0.00001.

Submission:

Martin Pollak Laboratory,  Beth Israel Deaconess Medical Center
Classification: Uncertain significance. Review status: no assertion criteria provided. Collection method: not provided. Allele origin: unknown.
Comment: Lower and higher UCa2+ groups
ClinVar note: Converted during submission from unknown to Uncertain significance.

NM_005984.5(SLC25A1):c.615G>A (p.Leu205=)

Gene: SLC25A1 (solute carrier family 25 member 1; minus strand). Cytogenetic location: 22q11.21.
Variant type: single nucleotide variant.
Coding change: c.615G>A on transcript NM_005984.5 (MANE Select); coding-DNA position 615, G replaced by A.
Protein change: p.Leu205=; no amino-acid change (leucine 205 retained).
Molecular consequence: synonymous variant. On other transcripts: non-coding transcript variant (1).
Genome position (GRCh38, 1-based): chr22:19,176,862, C>T on the plus strand (G>A on the coding strand, the complement: SLC25A1 is on the minus strand). VCF-style: chr22-19176862-C-T. GRCh37 (hg19) VCF-style: chr22-19164375-C-T.
Other names: c.636G>A, p.Leu212= (NM_001256534.2); c.306G>A, p.Leu102= (NM_001287387.2).
Identifiers: ClinVar variation 64562 (VCV000064562.2), dbSNP rs387907478, ClinGen allele CA216409.
Genomic context (GRCh38, chr22:19,176,862, plus strand): 5'-GAGCTGGCCATGTGCAGAGATGGGGCCCTGTGATGCAGACACACCTCGGTACCAGTTGCG[C>T]AGGGAGGTCATGACGAAGAAGCGGATGGCCTGGTTCGAGCCCTGCTTCAGGACAGTGGCT-3'
Protein context (NP_005975.1, residues 195-215): QAIRFFVMTS[Leu205=]RNWYRGDNPN